The following is an entry in ClinVar:

ClinVar aggregate classification (germline): Uncertain significance (1 of 4 stars; one submission).

Conditions:
Marfan syndrome (MFS). Also called: MARFAN SYNDROME, TYPE I; Marfan syndrome type 1; Marfan's syndrome; Marfan syndrome, classic; FBN1-Related Marfan Syndrome. Identifiers: Orphanet 284963, Orphanet 558, MedGen C0024796, MONDO:0007947, OMIM 154700.

Submission:

All of Us Research Program, National Institutes of Health
Classification: Uncertain significance for Marfan syndrome. Last evaluated: 2024-01-11. Review status: criteria provided, single submitter. Criteria: ACMG Guidelines, 2015. Collection method: clinical testing. Allele origin: germline. Inheritance: Autosomal dominant inheritance. Observed: 1 variant allele, 1 heterozygote.
Comment: This study involves interpretation of variants in research participants for the purpose of population health screening. Participant phenotype was not available at the time of variant classification. Additional details can be found in publication PMID: 35346344, PMCID: PMC8962531

NM_000138.5(FBN1):c.5521T>C (p.Phe1841Leu)

Gene: FBN1 (fibrillin 1; minus strand). Cytogenetic location: 15q21.1.
Variant type: single nucleotide variant.
Coding change: c.5521T>C on transcript NM_000138.5 (MANE Select); coding-DNA position 5521, T replaced by C.
Protein change: p.Phe1841Leu; replaces phenylalanine 1841 with leucine.
Molecular consequence: missense variant.
Genome position (GRCh38, 1-based): chr15:48,452,586, A>G on the plus strand (T>C on the coding strand, the complement: FBN1 is on the minus strand). VCF-style: chr15-48452586-A-G. GRCh37 (hg19) VCF-style: chr15-48744783-A-G.
Other names: c.5521T>C, p.Phe1841Leu (NM_001406716.1); short protein forms F1841L.
Identifiers: ClinVar variation 3075365 (VCV003075365.1), dbSNP rs2505470481, ClinGen allele CA392343974.